The following is an entry in ClinVar:

NM_014889.4(PITRM1):c.3076C>T (p.Pro1026Ser)

Gene: PITRM1 (pitrilysin metallopeptidase 1; minus strand). Cytogenetic location: 10p15.2.
Variant type: single nucleotide variant.
Coding change: c.3076C>T on transcript NM_014889.4 (MANE Select); coding-DNA position 3076, C replaced by T.
Protein change: p.Pro1026Ser; replaces proline 1026 with serine.
Molecular consequence: missense variant. On other transcripts: non-coding transcript variant (4).
Genome position (GRCh38, 1-based): chr10:3,138,069, G>A on the plus strand (C>T on the coding strand, the complement: PITRM1 is on the minus strand). VCF-style: chr10-3138069-G-A. GRCh37 (hg19) VCF-style: chr10-3180261-G-A.
Other names: c.3079C>T, p.Pro1027Ser (NM_001242307.2); c.2782C>T, p.Pro928Ser (NM_001242309.1); c.2878C>T, p.Pro960Ser (NM_001347725.2); c.2263C>T, p.Pro755Ser (NM_001347726.2); c.2461C>T, p.Pro821Ser (NM_001347727.2); c.1771C>T, p.Pro591Ser (NM_001347728.2); c.3052C>T, p.Pro1018Ser (NM_001347729.1); c.2854C>T, p.Pro952Ser (NM_001347730.1); short protein forms P1018S, P1026S, P1027S, P591S, P755S, P821S, P928S, P952S.
Identifiers: ClinVar variation 4533818 (VCV004533818.6).
Genomic context (GRCh38, chr10:3,138,069, plus strand): 5'-TGCAGTCGAGCGCCACGGCTGCTCATTGGATGATCCAGGATGGGTCCTTGGCAATTTTCG[G>A]GTTCTCGGGTCCGAGGATGGCCAGGCCGTGTGTGCTCTTCCCAGTGCCGAGGTATCTGAG-3'
Protein context (NP_055704.2, residues 1016-1036): HGLAILGPEN[Pro1026Ser]KIAKDPSWII

ClinVar aggregate classification (germline): Uncertain significance (1 of 4 stars; one submission).

Submission:

CeGaT Center for Human Genetics Tuebingen
Classification: Uncertain significance. Last evaluated: 2025-11-01. Review status: criteria provided, single submitter. Criteria: CeGaT Center For Human Genetics Tuebingen Variant Classification Criteria Version 2. Collection method: clinical testing. Allele origin: germline. Affected: yes. Observed: 1 variant allele.
Comment: PITRM1: PM2, BP4